The following is an entry in ClinVar:

NM_004360.5(CDH1):c.713A>C (p.Asn238Thr)

Gene: CDH1 (cadherin 1; plus strand). Cytogenetic location: 16q22.1.
Variant type: single nucleotide variant.
Coding change: c.713A>C on transcript NM_004360.5 (MANE Select); coding-DNA position 713, A replaced by C.
Protein change: p.Asn238Thr; replaces asparagine 238 with threonine.
Molecular consequence: missense variant. On other transcripts: 5 prime UTR variant (2).
Genome position (GRCh38, 1-based): chr16:68,810,222, A>C. VCF-style: chr16-68810222-A-C. GRCh37 (hg19) VCF-style: chr16-68844125-A-C.
Other names: c.713A>C, p.Asn238Thr (NM_001317184.2); c.-903A>C (NM_001317185.2); c.-1107A>C (NM_001317186.2); short protein forms N238T.
Identifiers: ClinVar variation 1996121 (VCV001996121.5), dbSNP rs1960780386, ClinGen allele CA396458437.

ClinVar aggregate classification (germline): Uncertain significance. Review status: criteria provided, multiple submitters, no conflicts (2 of 4 stars). 2 submissions from 2 submitters: Uncertain significance (2). Last evaluated 2026-07-06.

Conditions:
Hereditary cancer-predisposing syndrome. Also called: Hereditary neoplastic syndrome; Neoplastic Syndromes, Hereditary; Tumor predisposition; Hereditary Cancer Syndrome. Identifiers: Orphanet 140162, MedGen C0027672, MeSH D009386, MONDO:0015356.
Hereditary diffuse gastric adenocarcinoma (HDGC). Also called: DIFFUSE GASTRIC AND LOBULAR BREAST CANCER SYNDROME. Identifiers: Orphanet 26106, MedGen C1708349, MONDO:0007648, OMIM 137215.

Submissions (2):

Ambry Genetics
Classification: Uncertain significance for Hereditary cancer-predisposing syndrome. Last evaluated: 2026-07-06. Review status: criteria provided, single submitter. Criteria: Ambry Variant Classification Scheme 2023. Collection method: clinical testing. Allele origin: germline.
Comment: The p.N238T variant (also known as c.713A>C), located in coding exon 6 of the CDH1 gene, results from an A to C substitution at nucleotide position 713. The asparagine at codon 238 is replaced by threonine, an amino acid with similar properties. This amino acid position is conserved. In addition, this alteration is predicted to be tolerated by in silico analysis. Based on the available evidence, the clinical significance of this variant remains unclear.

Labcorp Genetics (formerly Invitae), Labcorp
Classification: Uncertain significance for Hereditary diffuse gastric adenocarcinoma. Last evaluated: 2024-11-13. Review status: criteria provided, single submitter. Criteria: Invitae Variant Classification Sherloc (09022015). Collection method: clinical testing. Allele origin: germline.
Comment: This sequence change replaces asparagine, which is neutral and polar, with threonine, which is neutral and polar, at codon 238 of the CDH1 protein (p.Asn238Thr). This variant is not present in population databases (gnomAD no frequency). This variant has not been reported in the literature in individuals affected with CDH1-related conditions. ClinVar contains an entry for this variant (Variation ID: 1996121). An algorithm developed to predict the effect of missense changes on protein structure and function (PolyPhen-2) suggests that this variant is likely to be tolerated. In summary, the available evidence is currently insufficient to determine the role of this variant in disease. Therefore, it has been classified as a Variant of Uncertain Significance.